The following is an entry in ClinVar:

ClinVar aggregate classification (germline): Benign (1 of 4 stars; one submission).

Conditions:
Erythrokeratodermia variabilis et progressiva 1 (EKVP1). Also called: ERYTHROKERATODERMIA FIGURATA, CONGENITAL FAMILIAL, IN PLAQUES; ERYTHROKERATODERMIA VARIABILIS WITH ERYTHEMA GYRATUM REPENS; ERYTHROKERATODERMIA, PROGRESSIVE SYMMETRIC. Identifiers: Orphanet 317, MedGen C4551486, MONDO:0033010, OMIM 133200.

Allele frequency attached by ClinVar (database versions not stated): 1000 Genomes Project 0.00300; 1000 Genomes Project 30x 0.00328; gnomAD 0.00340 and 0.00364; TOPMed 0.00376.

Submission:

Illumina Laboratory Services, Illumina
Classification: Benign for Erythrokeratodermia variabilis et progressiva 1. Last evaluated: 2018-01-13. Review status: criteria provided, single submitter. Criteria: ICSL Variant Classification Criteria 13 December 2019. Collection method: clinical testing. Allele origin: germline.
Comment: This variant was observed in the ICSL laboratory as part of a predisposition screen in an ostensibly healthy population. It had not been previously curated by ICSL or reported in the Human Gene Mutation Database (HGMD: prior to June 1st, 2018), and was therefore a candidate for classification through an automated scoring system. Utilizing variant allele frequency, disease prevalence and penetrance estimates, and inheritance mode, an automated score was calculated to assess if this variant is too frequent to cause the disease. Based on the score and internal cut-off values, a variant classified as benign is not then subjected to further curation. The score for this variant resulted in a classification of benign for this disease.

NM_024009.3(GJB3):c.-407C>T

Gene: GJB3 (gap junction protein beta 3; plus strand). Cytogenetic location: 1p34.3.
Variant type: single nucleotide variant.
Coding change: c.-407C>T on transcript NM_024009.3 (MANE Select); 407 bases upstream of the start codon, C replaced by T.
Molecular consequence: 5 prime UTR variant.
Genome position (GRCh38, 1-based): chr1:34,781,397, C>T. VCF-style: chr1-34781397-C-T. GRCh37 (hg19) VCF-style: chr1-35246998-C-T.
Identifiers: ClinVar variation 297179 (VCV000297179.5), dbSNP rs547065589, ClinGen allele CA10611024.